The following is an entry in ClinVar:

NM_000170.3(GLDC):c.2236G>C (p.Asp746His)

Gene: GLDC (glycine decarboxylase; minus strand). Cytogenetic location: 9p24.1.
Variant type: single nucleotide variant.
Coding change: c.2236G>C on transcript NM_000170.3 (MANE Select); coding-DNA position 2236, G replaced by C.
Protein change: p.Asp746His; replaces aspartic acid 746 with histidine.
Molecular consequence: missense variant.
Genome position (GRCh38, 1-based): chr9:6,554,748, C>G on the plus strand (G>C on the coding strand, the complement: GLDC is on the minus strand). VCF-style: chr9-6554748-C-G. GRCh37 (hg19) VCF-style: chr9-6554748-C-G.
Other names: short protein forms D746H.
Identifiers: ClinVar variation 2136737 (VCV002136737.8), dbSNP rs775769857, ClinGen allele CA188650377.

ClinVar aggregate classification (germline): Conflicting classifications of pathogenicity. Review status: criteria provided, conflicting classifications (1 of 4 stars). 3 submissions from 3 submitters: Pathogenic (2); Uncertain significance (1). Last evaluated 2026-01-08.

Conditions:
Glycine encephalopathy 1 (GCE1). Identifiers: MedGen CN376801, MONDO:0958179, OMIM 605899.
Glycine encephalopathy. Also called: Non-ketotic hyperglycinemia; Nonketotic hyperglycinemia. Identifiers: Orphanet 407, MedGen C0751748, MONDO:0011612, HP:0008288.

gnomAD v4.1: 9 of 1,613,520 alleles (0.00056%); highest among the groups gnomAD compares: Non-Finnish European, 0.00076%; no homozygotes.

Submissions (3):

Victorian Clinical Genetics Services, Murdoch Childrens Research Institute
Classification: Uncertain significance for Glycine encephalopathy 1. Last evaluated: 2026-01-08. Review status: criteria provided, single submitter. Criteria: ACMG Guidelines, 2015. Collection method: clinical testing. Allele origin: germline.
Comment: This variant is classified as VUS-3A. Evidence in support of pathogenic classification: Variant is present in gnomAD <0.01 for a recessive condition (v4: 9 heterozygote(s), 0 homozygote(s)); Other variant type variant(s) comparable to the one identified in this case have strong previous evidence for pathogenicity. p.(Asp746Asn) and p.(Asp746Glu) have been classified as likely pathogenic, and pathogenic and VUS by clinical laboratories in ClinVar respectively. p.(Asp746Glu), p.(Asp746Gly) and p.(Asp746Val) have been reported in compound heterozygous or homozygous children with nonketotic hyperglycinemia (PMID: 27362913, 33791923); Missense variant predicted to be damaging by in silico tool(s) or highly conserved with a major amino acid change. Additional information: Variant is predicted to result in a missense amino acid change from Asp to His; This variant is heterozygous; This gene is associated with autosomal recessive disease; Alternative amino acid change(s) at the same position are present in gnomAD (v4: 1 heterozygote(s), 0 homozygote(s)); Previous evidence of pathogenicity for this variant is inconclusive. This variant has been classified as a pathogenic variant and as a VUS by clinical laboratories in ClinVar. This variant has also been reported in an individual with nonketotic hyperglycinemia with a second variant in the gene, however the phase was not confirmed (PMID: 27362913); No published evidence of segregation with disease has been identified for this variant; No published functional evidence has been identified for this variant; Variant is located in the annotated glycine cleavage system protein P, C-terminal domain (NCBI); Loss of function is a known mechanism of disease in this gene and is associated with glycine encephalopathy 1 (MIM#605899); Variants in this gene are known to have variable expressivity. The clinical severity of this disease is variable, with symptoms ranging from the mild transient neonatal hyperglycinemia to the severe classic neonatal form (OMIM).

Women's Health and Genetics/Laboratory Corporation of America, LabCorp
Classification: Pathogenic for Glycine encephalopathy. Last evaluated: 2025-10-01. Review status: criteria provided, single submitter. Criteria: LabCorp Variant Classification Summary - May 2015. Collection method: clinical testing. Allele origin: germline.
Comment: Variant summary: GLDC c.2236G>C (p.Asp746His) results in a non-conservative amino acid change in the encoded protein sequence. Algorithms developed to predict the effect of missense changes on protein structure and function all suggest that this variant is likely to be disruptive. The variant was absent in 249996 control chromosomes. The available data on variant occurrences in the general population are insufficient to allow any conclusion about variant significance. c.2236G>C has been observed in the compound heterozygous state in at least one individual affected with Glycine Encephalopathy (Non-Ketotic Hyperglycinemia) (example: Coughlin_2017). These data do not allow any conclusion about variant significance. However, two misssense variants affecting the same codon, c.2238T>A (p.Asp746Glu) and c.2236G>A (p.Asp746Asn) have been classified as likely pathogenic/pathogenic by our lab, suggesting the clinical significance of this amino acid. To our knowledge, no experimental evidence demonstrating an impact on protein function has been reported. The following publication has been ascertained in the context of this evaluation (PMID: 27362913). ClinVar contains an entry for this variant (Variation ID: 2136737). Based on the evidence outlined above, the variant was classified as pathogenic.

Labcorp Genetics (formerly Invitae), Labcorp
Classification: Pathogenic for Glycine encephalopathy. Last evaluated: 2022-03-15. Review status: criteria provided, single submitter. Criteria: Invitae Variant Classification Sherloc (09022015). Collection method: clinical testing. Allele origin: germline.
Comment: This sequence change replaces aspartic acid, which is acidic and polar, with histidine, which is basic and polar, at codon 746 of the GLDC protein (p.Asp746His). This variant is not present in population databases (gnomAD no frequency). This missense change has been observed in individual(s) with non-ketotic hyperglycinemia (PMID: 27362913). Advanced modeling of protein sequence and biophysical properties (such as structural, functional, and spatial information, amino acid conservation, physicochemical variation, residue mobility, and thermodynamic stability) performed at Invitae indicates that this missense variant is expected to disrupt GLDC protein function. This variant disrupts the p.Asp746 amino acid residue in GLDC. Other variant(s) that disrupt this residue have been determined to be pathogenic (PMID: 27362913). This suggests that this residue is clinically significant, and that variants that disrupt this residue are likely to be disease-causing. For these reasons, this variant has been classified as Pathogenic.

Literature cited by the submitters: PubMed 27362913 (cited by 3 submitters); PubMed 33791923 (cited by Victorian Clinical Genetics Services, Murdoch Childrens Research Institute).